The following is an entry in ClinVar:

ClinVar aggregate classification (germline): Uncertain significance (1 of 4 stars; one submission).

Conditions:
Early-infantile DEE. Also called: Early infantile epileptic encephalopathy with suppression bursts; Early infantile epileptic encephalopathy; Ohtahara syndrome. Identifiers: Orphanet 1934, MedGen C0393706, MONDO:0800491.

gnomAD v4.1: 19 of 1,613,898 alleles (0.0012%); highest among the groups gnomAD compares: Non-Finnish European, 0.0011%; no homozygotes.

Submission:

Labcorp Genetics (formerly Invitae), Labcorp
Classification: Uncertain significance for Early-infantile DEE. Last evaluated: 2024-10-22. Review status: criteria provided, single submitter. Criteria: Invitae Variant Classification Sherloc (09022015). Collection method: clinical testing. Allele origin: germline.
Comment: This sequence change replaces serine, which is neutral and polar, with leucine, which is neutral and non-polar, at codon 651 of the HCN1 protein (p.Ser651Leu). This variant is present in population databases (rs771934361, gnomAD 0.003%). This variant has not been reported in the literature in individuals affected with HCN1-related conditions. ClinVar contains an entry for this variant (Variation ID: 1985766). Invitae Evidence Modeling of protein sequence and biophysical properties (such as structural, functional, and spatial information, amino acid conservation, physicochemical variation, residue mobility, and thermodynamic stability) indicates that this missense variant is not expected to disrupt HCN1 protein function with a negative predictive value of 95%. In summary, the available evidence is currently insufficient to determine the role of this variant in disease. Therefore, it has been classified as a Variant of Uncertain Significance.

NM_021072.4(HCN1):c.1952C>T (p.Ser651Leu)

Gene: HCN1 (hyperpolarization activated cyclic nucleotide gated potassium channel 1; minus strand). Cytogenetic location: 5p12.
Variant type: single nucleotide variant.
Coding change: c.1952C>T on transcript NM_021072.4 (MANE Select); coding-DNA position 1952, C replaced by T.
Protein change: p.Ser651Leu; replaces serine 651 with leucine.
Molecular consequence: missense variant.
Genome position (GRCh38, 1-based): chr5:45,262,642, G>A on the plus strand (C>T on the coding strand, the complement: HCN1 is on the minus strand). VCF-style: chr5-45262642-G-A. GRCh37 (hg19) VCF-style: chr5-45262744-G-A.
Other names: short protein forms S651L.
Identifiers: ClinVar variation 1985766 (VCV001985766.4), dbSNP rs771934361, ClinGen allele CA3259194.